The following is an entry in ClinVar:

ClinVar aggregate classification (germline): Benign/Likely benign. Review status: criteria provided, multiple submitters, no conflicts (2 of 4 stars). 11 submissions from 11 submitters: Benign (6); Likely benign (3). 2 of the submissions do not count toward it. Last evaluated 2026-01-28.

Conditions:
Inborn genetic diseases. Identifiers: MedGen C0950123, MeSH D030342.
Intellectual developmental disorder, X-linked 93. Also called: MENTAL RETARDATION, X-LINKED, WITH MACROCEPHALY; Intellectual disability, X-linked 93. Identifiers: MedGen C1970841, MONDO:0010393, OMIM 300659.
Intellectual disability. Also called: Intellectual functioning disability; intellectual disabilities; Intellectual developmental disorder. Identifiers: MedGen C3714756, MeSH D008607, MONDO:0001071, HP:0001249.

Allele frequency attached by ClinVar (database versions not stated): 1000 Genomes Project 0.00212; 1000 Genomes Project 30x 0.00229; TOPMed 0.00307; gnomAD exomes 0.00355 and 0.00525; gnomAD 0.00416 and 0.00422; ESP Exome Variant Server 0.00445; ExAC 0.00502.
gnomAD v4.1: 6,100 of 1,191,002 alleles (0.51%); highest among the groups gnomAD compares: Non-Finnish European, 0.61%; 13 homozygotes.

Submissions (11):

Labcorp Genetics (formerly Invitae), Labcorp
Classification: Benign. Last evaluated: 2026-01-28. Review status: criteria provided, single submitter. Criteria: Invitae Variant Classification Sherloc (09022015). Collection method: clinical testing. Allele origin: germline.

Blueprint Genetics
Classification: Likely benign. Last evaluated: 2024-11-27. Review status: criteria provided, single submitter. Criteria: ACMG Guidelines, 2015. Collection method: clinical testing. Allele origin: germline.

Fulgent Genetics
Classification: Likely benign for Intellectual developmental disorder, X-linked 93. Last evaluated: 2021-12-16. Review status: criteria provided, single submitter. Criteria: ACMG Guidelines, 2015. Collection method: clinical testing. Allele origin: unknown.

GeneDx
Classification: Benign. Last evaluated: 2020-04-21. Review status: criteria provided, single submitter. Criteria: GeneDx Variant Classification Process June 2021. Collection method: clinical testing. Allele origin: germline. Affected: yes.

Cambridge Genomics Laboratory, East Genomic Laboratory Hub, NHS Genomic Medicine Service
Classification: Benign for Intellectual disability. Last evaluated: 2019-12-27. Review status: criteria provided, single submitter. Criteria: ACGS Best Practice Guidelines for Variant Classification in Rare Disease 2020. Collection method: clinical testing. Allele origin: germline. Affected: yes. Observed: 1 variant allele.

Illumina Laboratory Services, Illumina
Classification: Benign for Intellectual developmental disorder, X-linked 93. Last evaluated: 2018-01-13. Review status: criteria provided, single submitter. Criteria: ICSL Variant Classification Criteria 13 December 2019. Collection method: clinical testing. Allele origin: germline.
Comment: This variant was observed in the ICSL laboratory as part of a predisposition screen in an ostensibly healthy population. It had not been previously curated by ICSL or reported in the Human Gene Mutation Database (HGMD: prior to June 1st, 2018), and was therefore a candidate for classification through an automated scoring system. Utilizing variant allele frequency, disease prevalence and penetrance estimates, and inheritance mode, an automated score was calculated to assess if this variant is too frequent to cause the disease. Based on the score and internal cut-off values, a variant classified as benign is not then subjected to further curation. The score for this variant resulted in a classification of benign for this disease.

Genetic Services Laboratory, University of Chicago
Classification: Benign. Last evaluated: 2016-04-29. Review status: criteria provided, single submitter. Criteria: ACMG Guidelines, 2015. Collection method: clinical testing. Allele origin: germline. Affected: no.

Ambry Genetics
Classification: Likely benign for Inborn genetic diseases. Last evaluated: 2015-10-19. Review status: criteria provided, single submitter. Criteria: Ambry Variant Classification Scheme 2023. Collection method: clinical testing. Allele origin: germline.

Eurofins Ntd Llc (ga)
Classification: Benign. Last evaluated: 2014-11-12. Review status: criteria provided, single submitter. Criteria: EGL Classification Definitions 2015. Collection method: clinical testing. Allele origin: germline. Observed: 2 variant alleles, 1 heterozygote, 1 hemizygote.

Clinical Genetics DNA and cytogenetics Diagnostics Lab, Erasmus MC, Erasmus Medical Center
Classification: Likely benign. Review status: no assertion criteria provided. Collection method: clinical testing. Allele origin: germline. Affected: yes. Study: VKGL Data-share Consensus. Not counted in ClinVar's aggregate classification.

Laboratory of Diagnostic Genome Analysis, Leiden University Medical Center (LUMC)
Classification: Likely benign. Review status: no assertion criteria provided. Collection method: clinical testing. Allele origin: germline. Affected: yes. Study: VKGL Data-share Consensus. Not counted in ClinVar's aggregate classification.

NM_153252.5(BRWD3):c.33G>A (p.Glu11=)

Gene: BRWD3 (bromodomain and WD repeat domain containing 3; minus strand). Cytogenetic location: Xq21.1.
Variant type: single nucleotide variant.
Coding change: c.33G>A on transcript NM_153252.5 (MANE Select); coding-DNA position 33, G replaced by A.
Protein change: p.Glu11=; no amino-acid change (glutamic acid 11 retained).
Molecular consequence: synonymous variant.
Genome position (GRCh38, 1-based): chrX:80,809,303, C>T on the plus strand (G>A on the coding strand, the complement: BRWD3 is on the minus strand). VCF-style: chrX-80809303-C-T. GRCh37 (hg19) VCF-style: chrX-80064802-C-T.
Identifiers: ClinVar variation 195424 (VCV000195424.32), dbSNP rs139071237, ClinGen allele CA201732.